The following is an entry in ClinVar:

NM_005732.4(RAD50):c.62A>T (p.Asp21Val)

Gene: RAD50 (RAD50 double strand break repair protein; plus strand). Cytogenetic location: 5q31.1.
Variant type: single nucleotide variant.
Coding change: c.62A>T on transcript NM_005732.4 (MANE Select); coding-DNA position 62, A replaced by T.
Protein change: p.Asp21Val; replaces aspartic acid 21 with valine.
Molecular consequence: missense variant.
Genome position (GRCh38, 1-based): chr5:132,557,386, A>T. VCF-style: chr5-132557386-A-T. GRCh37 (hg19) VCF-style: chr5-131893078-A-T.
Other names: short protein forms D21V.
Identifiers: ClinVar variation 482114 (VCV000482114.11), dbSNP rs1554096641, ClinGen allele CA360951236.

ClinVar aggregate classification (germline): Uncertain significance. Review status: criteria provided, multiple submitters, no conflicts (2 of 4 stars). 2 submissions from 2 submitters: Uncertain significance (2). Last evaluated 2021-07-30.

Conditions:
Hereditary cancer-predisposing syndrome. Also called: Neoplastic Syndromes, Hereditary; Tumor predisposition; Hereditary Cancer Syndrome; Hereditary neoplastic syndrome. Identifiers: Orphanet 140162, MedGen C0027672, MeSH D009386, MONDO:0015356.

Allele frequency attached by ClinVar (database versions not stated): gnomAD below 0.00001 and 0.00001.
gnomAD v4.1: 1 of 1,613,978 alleles (0.000062%); highest among the groups gnomAD compares: South Asian, 0.0011%; no homozygotes.

Submissions (2):

Labcorp Genetics (formerly Invitae), Labcorp
Classification: Uncertain significance for Hereditary cancer-predisposing syndrome. Last evaluated: 2021-07-30. Review status: criteria provided, single submitter. Criteria: Invitae Variant Classification Sherloc (09022015). Collection method: clinical testing. Allele origin: germline.
Comment: ClinVar contains an entry for this variant (Variation ID: 482114). This variant has not been reported in the literature in individuals affected with RAD50-related conditions. This variant is not present in population databases (ExAC no frequency). This sequence change replaces aspartic acid with valine at codon 21 of the RAD50 protein (p.Asp21Val). The aspartic acid residue is highly conserved and there is a large physicochemical difference between aspartic acid and valine. Algorithms developed to predict the effect of missense changes on protein structure and function are either unavailable or do not agree on the potential impact of this missense change (SIFT: "Deleterious"; PolyPhen-2: "Probably Damaging"; Align-GVGD: "Class C0"). In summary, the available evidence is currently insufficient to determine the role of this variant in disease. Therefore, it has been classified as a Variant of Uncertain Significance.

Ambry Genetics
Classification: Uncertain significance for Hereditary cancer-predisposing syndrome. Last evaluated: 2016-07-21. Review status: criteria provided, single submitter. Criteria: Ambry Variant Classification Scheme 2023. Collection method: clinical testing. Allele origin: germline.
Comment: The p.D21V variant (also known as c.62A>T), located in coding exon 1 of the RAD50 gene, results from an A to T substitution at nucleotide position 62. The aspartic acid at codon 21 is replaced by valine, an amino acid with highly dissimilar properties. This variant was not reported in population based cohorts in the following databases: Database of Single Nucleotide Polymorphisms (dbSNP), NHLBI Exome Sequencing Project (ESP), and 1000 Genomes Project. In the ESP, this variant was not observed in 6503 samples (13006 alleles) with coverage at this position. To date, this alteration has been detected with an allele frequency of approximately 0.001% (greater than 175000 alleles tested) in our clinical cohort. This amino acid position is highly conserved in available vertebrate species. In addition, the in silico prediction for this alteration is inconclusive. Since supporting evidence is limited at this time, the clinical significance of this alteration remains unclear.